The following is an entry in ClinVar:

ClinVar aggregate classification (germline): Pathogenic (1 of 4 stars; one submission).

Conditions:
Hereditary hemorrhagic telangiectasia (HHT). Also called: Osler hemorrhagic telangiectasia syndrome; ORW DISEASE; Osler Weber Rendu syndrome; OSLER-RENDU-WEBER DISEASE. Identifiers: Orphanet 774, MedGen C0039445, MONDO:0019180. Disease mechanism: loss of function.

Submission:

Labcorp Genetics (formerly Invitae), Labcorp
Classification: Pathogenic for Hereditary hemorrhagic telangiectasia. Last evaluated: 2024-08-21. Review status: criteria provided, single submitter. Criteria: Invitae Variant Classification Sherloc (09022015). Collection method: clinical testing. Allele origin: germline.
Comment: This sequence change affects codon 378 of the ENG mRNA. It is a 'silent' change, meaning that it does not change the encoded amino acid sequence of the ENG protein. This variant also falls at the last nucleotide of exon 8, which is part of the consensus splice site for this exon. This variant is not present in population databases (gnomAD no frequency). This variant has been observed in individuals with hereditary hemorrhagic telangiectasia (PMID: 15517393, 20414677, 21158752; internal data). ClinVar contains an entry for this variant (Variation ID: 1074391). Variants that disrupt the consensus splice site are a relatively common cause of aberrant splicing (PMID: 17576681, 9536098). Algorithms developed to predict the effect of sequence changes on RNA splicing suggest that this variant may disrupt the consensus splice site. For these reasons, this variant has been classified as Pathogenic.

Literature cited by the submitters: PubMed 15517393; PubMed 20414677; PubMed 21158752; PubMed 17576681; PubMed 9536098.

NM_001114753.3(ENG):c.1134G>C (p.Ala378=)

Gene: ENG (endoglin; minus strand). Cytogenetic location: 9q34.11.
Variant type: single nucleotide variant.
Coding change: c.1134G>C on transcript NM_001114753.3 (MANE Select); coding-DNA position 1134, G replaced by C.
Protein change: p.Ala378=; no amino-acid change (alanine 378 retained).
Molecular consequence: synonymous variant.
Genome position (GRCh38, 1-based): chr9:127,824,304, C>G on the plus strand (G>C on the coding strand, the complement: ENG is on the minus strand). VCF-style: chr9-127824304-C-G. GRCh37 (hg19) VCF-style: chr9-130586583-C-G.
Other names: c.1134G>C, p.Ala378= (NM_000118.4, NM_001406715.1); c.588G>C, p.Ala196= (NM_001278138.2).
Identifiers: ClinVar variation 1074391 (VCV001074391.10), dbSNP rs1329127701, ClinGen allele CA467230560.